The following is an entry in ClinVar:

ClinVar aggregate classification (germline): Likely pathogenic (1 of 4 stars; one submission).

Submission:

Labcorp Genetics (formerly Invitae), Labcorp
Classification: Likely pathogenic. Last evaluated: 2024-06-20. Review status: criteria provided, single submitter. Criteria: Invitae Variant Classification Sherloc (09022015). Collection method: clinical testing. Allele origin: germline.
Comment: This sequence change affects an acceptor splice site in intron 38 of the ABCA2 gene. It is expected to disrupt RNA splicing. Variants that disrupt the donor or acceptor splice site typically lead to a loss of protein function (PMID: 16199547), and loss-of-function variants in ABCA2 are known to be pathogenic (PMID: 30237576). This variant is not present in population databases (gnomAD no frequency). This variant has not been reported in the literature in individuals affected with ABCA2-related conditions. Algorithms developed to predict the effect of sequence changes on RNA splicing suggest that this variant may disrupt the consensus splice site. In summary, the currently available evidence indicates that the variant is pathogenic, but additional data are needed to prove that conclusively. Therefore, this variant has been classified as Likely Pathogenic.

Literature cited by the submitters: PubMed 16199547; PubMed 30237576.

NM_001606.5(ABCA2):c.5924-2A>C

Genes: ABCA2 (ATP binding cassette subfamily A member 2; minus strand), LOC126860796 (CDK7 strongly-dependent group 2 enhancer GRCh37_chr9:139904888-139906087; plus strand). Cytogenetic location: 9q34.3.
Variant type: single nucleotide variant.
Coding change: c.5924-2A>C on transcript NM_001606.5 (MANE Select); the canonical splice acceptor site of the intron before coding-DNA position 5924, A replaced by C.
Molecular consequence: splice acceptor variant.
Genome position (GRCh38, 1-based): chr9:137,011,107, T>G on the plus strand (A>C on the coding strand, the complement: ABCA2 is on the minus strand). VCF-style: chr9-137011107-T-G. GRCh37 (hg19) VCF-style: chr9-139905559-T-G.
Other names: c.6014-2A>C (NM_212533.3); c.5921-2A>C (NM_001411042.1).
Identifiers: ClinVar variation 3657213 (VCV003657213.2).